The following is an entry in ClinVar:

NM_133433.4(NIPBL):c.7744C>A (p.Arg2582=)

Gene: NIPBL (NIPBL cohesin loading factor; plus strand). Cytogenetic location: 5p13.2.
Variant type: single nucleotide variant.
Coding change: c.7744C>A on transcript NM_133433.4 (MANE Select); coding-DNA position 7744, C replaced by A.
Protein change: p.Arg2582=; no amino-acid change (arginine 2582 retained).
Molecular consequence: synonymous variant.
Genome position (GRCh38, 1-based): chr5:37,060,902, C>A. VCF-style: chr5-37060902-C-A. GRCh37 (hg19) VCF-style: chr5-37061004-C-A.
Other names: c.7744C>A, p.Arg2582= (NM_015384.5).
Identifiers: ClinVar variation 3905119 (VCV003905119.10).
Genomic context (GRCh38, chr5:37,060,902, plus strand): 5'-AGTAAAATTCAGAAGTACTCTCCATCTGAATCTGCAAAAGTATATGATAAAGCGATAAAC[C>A]GAAAAACAGGAGTTCATTTTCATCCAAAACAAACACTGGACTTCCTGCGGAGTGACATGG-3'
Protein context (NP_597677.2, residues 2572-2592): SAKVYDKAIN[Arg2582=]KTGVHFHPKQ

ClinVar aggregate classification (germline): Likely benign (1 of 4 stars; one submission).

gnomAD v4.1: 1 of 1,613,890 alleles (0.000062%); highest among the groups gnomAD compares: East Asian, 0.0022%; no homozygotes.

Submission:

CeGaT Center for Human Genetics Tuebingen
Classification: Likely benign. Last evaluated: 2025-06-01. Review status: criteria provided, single submitter. Criteria: CeGaT Center For Human Genetics Tuebingen Variant Classification Criteria Version 2. Collection method: clinical testing. Allele origin: germline. Affected: yes. Observed: 1 variant allele.
Comment: NIPBL: PM2:Supporting, BP4, BP7